The following is an entry in ClinVar:

NM_138413.4(HOGA1):c.562del (p.Gln188fs)

Gene: HOGA1 (4-hydroxy-2-oxoglutarate aldolase 1; plus strand). Cytogenetic location: 10q24.2.
Variant type: Deletion.
Coding change: c.562del on transcript NM_138413.4 (MANE Select); coding-DNA position 562, one base deleted (C; older notation c.562delC).
Protein change: p.Gln188fs; shifts the reading frame from glutamine 188.
Molecular consequence: frameshift variant. On other transcripts: intron variant (1).
Genome position (GRCh38, 1-based): chr10:97,599,773, C deleted; the last of 3 consecutive C bases (chr10:97,599,771-97,599,773); deleting any one gives the same sequence. VCF-style (leftmost placement, unchanged base first): chr10-97599770-TC-T. GRCh37 (hg19) VCF-style: chr10-99359527-TC-T.
Other names: c.212-2084del (NM_001134670.2); short protein forms Q188fs.
Identifiers: ClinVar variation 4816529 (VCV004816529.1).

ClinVar aggregate classification (germline): Likely pathogenic (1 of 4 stars; one submission).

Conditions:
Primary hyperoxaluria type 3. Also called: PH III. Identifiers: Orphanet 416, Orphanet 93600, MedGen C3150878, MONDO:0013327, OMIM 613616. Disease mechanism: loss of function.

Submission:

Natera, Inc.
Classification: Likely pathogenic for Primary hyperoxaluria type III. Last evaluated: 2024-12-30. Review status: criteria provided, single submitter. Criteria: Natera Variant Classification Schema (03/2026). Collection method: clinical testing. Allele origin: germline.
Comment: The c.562delC variant in HOGA1 is a frameshift variant predicted to shift the reading frame beginning at codon 188 and leads to a stop codon 8 codons downstream. This variant is expected to result in nonsense mediated decay, truncation, or a dysfunctional protein product. This variant is rare in the general population with a frequency below the threshold expected for the associated phenotype(s). Given the available evidence, this variant is classified as Likely Pathogenic.